The following is an entry in ClinVar:

NM_030665.4(RAI1):c.3553G>A (p.Ala1185Thr)

Gene: RAI1 (retinoic acid induced 1; plus strand). Cytogenetic location: 17p11.2.
Variant type: single nucleotide variant.
Coding change: c.3553G>A on transcript NM_030665.4 (MANE Select); coding-DNA position 3553, G replaced by A.
Protein change: p.Ala1185Thr; replaces alanine 1185 with threonine.
Molecular consequence: missense variant.
Genome position (GRCh38, 1-based): chr17:17,796,501, G>A. VCF-style: chr17-17796501-G-A. GRCh37 (hg19) VCF-style: chr17-17699815-G-A.
Other names: c.3553G>A (NM_030665.3); short protein forms A1185T.
Identifiers: ClinVar variation 2415998 (VCV002415998.8), dbSNP rs754912543, ClinGen allele CA8418752.

ClinVar aggregate classification (germline): Uncertain significance. Review status: criteria provided, single submitter (1 of 4 stars). 2 submissions from 2 submitters: Uncertain significance (1). 1 of the submissions does not count toward it. Last evaluated 2024-11-18.

Conditions:
RAI1-related disorder. Also called: RAI1-related condition.

Allele frequency attached by ClinVar (database versions not stated): gnomAD 0.00001; gnomAD exomes 0.00001; ExAC 0.00002; TOPMed 0.00002.
gnomAD v4.1: 12 of 1,610,752 alleles (0.00074%); highest among the groups gnomAD compares: African/African-American, 0.0027%; no homozygotes.

Submissions (2):

Labcorp Genetics (formerly Invitae), Labcorp
Classification: Uncertain significance. Last evaluated: 2024-11-18. Review status: criteria provided, single submitter. Criteria: Invitae Variant Classification Sherloc (09022015). Collection method: clinical testing. Allele origin: germline.
Comment: This sequence change replaces alanine, which is neutral and non-polar, with threonine, which is neutral and polar, at codon 1185 of the RAI1 protein (p.Ala1185Thr). This variant is present in population databases (rs754912543, gnomAD 0.007%). This variant has not been reported in the literature in individuals affected with RAI1-related conditions. ClinVar contains an entry for this variant (Variation ID: 2415998). Invitae Evidence Modeling of protein sequence and biophysical properties (such as structural, functional, and spatial information, amino acid conservation, physicochemical variation, residue mobility, and thermodynamic stability) indicates that this missense variant is not expected to disrupt RAI1 protein function with a negative predictive value of 80%. In summary, the available evidence is currently insufficient to determine the role of this variant in disease. Therefore, it has been classified as a Variant of Uncertain Significance.

PreventionGenetics, part of Exact Sciences
Classification: Uncertain significance for RAI1-related condition. Last evaluated: 2024-02-12. Review status: no assertion criteria provided. Collection method: clinical testing. Allele origin: germline. Not counted in ClinVar's aggregate classification.
Comment: The RAI1 c.3553G>A variant is predicted to result in the amino acid substitution p.Ala1185Thr. To our knowledge, this variant has not been reported in the literature. This variant is reported in 0.0063% of alleles in individuals of African descent in gnomAD. At this time, the clinical significance of this variant is uncertain due to the absence of conclusive functional and genetic evidence.